The following is an entry in ClinVar:

NM_133510.4(RAD51B):c.1042G>A (p.Glu348Lys)

Gene: RAD51B (RAD51 paralog B; plus strand). Cytogenetic location: 14q24.1.
Variant type: single nucleotide variant.
Coding change: c.1042G>A on transcript NM_133510.4 (MANE Select); coding-DNA position 1042, G replaced by A.
Protein change: p.Glu348Lys; replaces glutamic acid 348 with lysine.
Molecular consequence: missense variant. On other transcripts: intron variant (9).
Genome position (GRCh38, 1-based): chr14:68,477,653, G>A. VCF-style: chr14-68477653-G-A. GRCh37 (hg19) VCF-style: chr14-68944370-G-A.
Other names: c.685G>A, p.Glu229Lys (NM_001321817.2); c.1036+9403G>A (NM_001321818.2, NM_001321809.2, NM_001321821.2 and 5 more transcripts); c.922+9403G>A (NM_001321815.1); short protein forms E229K, E348K.
Identifiers: ClinVar variation 4862889 (VCV004862889.1).

ClinVar aggregate classification (germline): Uncertain significance (1 of 4 stars; one submission).

gnomAD v4.1: 1 of 1,602,364 alleles (0.000062%); highest among the groups gnomAD compares: Non-Finnish European, 0.000085%; no homozygotes.

Submission:

Ambry Genetics
Classification: Uncertain significance. Last evaluated: 2026-04-16. Review status: criteria provided, single submitter. Criteria: Ambry Variant Classification Scheme 2023. Collection method: clinical testing. Allele origin: germline.
Comment: The p.E348K variant (also known as c.1042G>A), located in coding exon 10 of the RAD51B gene, results from a G to A substitution at nucleotide position 1042. The glutamic acid at codon 348 is replaced by lysine, an amino acid with similar properties. This amino acid position is conserved. In addition, this alteration is predicted to be tolerated by in silico analysis. Based on the available evidence, the clinical significance of this variant remains unclear.